The following is an entry in ClinVar:

ClinVar aggregate classification (germline): Conflicting classifications of pathogenicity. Review status: criteria provided, conflicting classifications (1 of 4 stars). 3 submissions from 3 submitters: Uncertain significance (1); Likely benign (2). Last evaluated 2025-06-13.

Conditions:
Hereditary breast ovarian cancer syndrome. Also called: Hereditary breast and ovarian cancer; Hereditary breast and ovarian cancer syndrome; Breast and ovarian cancer; BRCA1- and BRCA2-Associated Hereditary Breast and Ovarian Cancer; Hereditary breast and/or ovarian cancer syndrome; Hereditary breast and ovarian cancer syndrome (HBOC). Identifiers: Orphanet 145, MedGen C0677776, MeSH D061325, MONDO:0003582. Disease mechanism: loss of function.
Hereditary cancer-predisposing syndrome. Also called: Tumor predisposition; Hereditary Cancer Syndrome; Hereditary neoplastic syndrome; Neoplastic Syndromes, Hereditary. Identifiers: Orphanet 140162, MedGen C0027672, MeSH D009386, MONDO:0015356.

Allele frequency attached by ClinVar (database versions not stated): gnomAD exomes below 0.00001; ExAC 0.00001.
gnomAD v4.1: 6 of 1,613,010 alleles (0.00037%); highest among the groups gnomAD compares: Non-Finnish European, 0.00051%; no homozygotes.

Submissions (3):

Ambry Genetics
Classification: Likely benign for Hereditary cancer-predisposing syndrome. Last evaluated: 2025-06-13. Review status: criteria provided, single submitter. Criteria: Ambry Variant Classification Scheme 2023. Collection method: clinical testing. Allele origin: germline.

University of Washington Department of Laboratory Medicine, University of Washington
Classification: Likely benign for Hereditary cancer-predisposing syndrome. Last evaluated: 2023-03-23. Review status: criteria provided, single submitter. Criteria: Dines et al. (Genet Med. 2020). Collection method: curation. Allele origin: germline.
Comment: Missense variant in a coldspot region where missense variants are very unlikely to be pathogenic (PMID:31911673).

BRCA2 exon 11 coldspot. Reclassification based on statistical prior probability.

Labcorp Genetics (formerly Invitae), Labcorp
Classification: Uncertain significance for Hereditary breast ovarian cancer syndrome. Last evaluated: 2023-01-18. Review status: criteria provided, single submitter. Criteria: Invitae Variant Classification Sherloc (09022015). Collection method: clinical testing. Allele origin: germline.
Comment: In summary, the available evidence is currently insufficient to determine the role of this variant in disease. Therefore, it has been classified as a Variant of Uncertain Significance. Advanced modeling of protein sequence and biophysical properties (such as structural, functional, and spatial information, amino acid conservation, physicochemical variation, residue mobility, and thermodynamic stability) performed at Invitae indicates that this missense variant is not expected to disrupt BRCA2 protein function. ClinVar contains an entry for this variant (Variation ID: 1445712). This variant has not been reported in the literature in individuals affected with BRCA2-related conditions. This variant is present in population databases (rs761934778, gnomAD 0.0009%). This sequence change replaces alanine, which is neutral and non-polar, with valine, which is neutral and non-polar, at codon 952 of the BRCA2 protein (p.Ala952Val).

NM_000059.4(BRCA2):c.2855C>T (p.Ala952Val)

Gene: BRCA2 (BRCA2 DNA repair associated; plus strand). Cytogenetic location: 13q13.1.
Variant type: single nucleotide variant.
Coding change: c.2855C>T on transcript NM_000059.4 (MANE Select); coding-DNA position 2855, C replaced by T.
Protein change: p.Ala952Val; replaces alanine 952 with valine.
Molecular consequence: missense variant.
Genome position (GRCh38, 1-based): chr13:32,337,210, C>T. VCF-style: chr13-32337210-C-T. GRCh37 (hg19) VCF-style: chr13-32911347-C-T.
Other names: c.2855C>T (NM_000059.3); short protein forms A952V.
Identifiers: ClinVar variation 1445712 (VCV001445712.8), dbSNP rs761934778, ClinGen allele CA6940636.